The following is an entry in ClinVar:

ClinVar aggregate classification (germline): Conflicting classifications of pathogenicity. Review status: criteria provided, conflicting classifications (1 of 4 stars). 5 submissions from 5 submitters: Uncertain significance (3); Likely benign (2). Last evaluated 2026-01-28.

Conditions:
Hereditary breast ovarian cancer syndrome. Also called: Hereditary breast and ovarian cancer; Hereditary breast and ovarian cancer syndrome (HBOC); Hereditary breast and/or ovarian cancer syndrome; Breast and ovarian cancer; BRCA1- and BRCA2-Associated Hereditary Breast and Ovarian Cancer; Hereditary breast and ovarian cancer syndrome. Identifiers: Orphanet 145, MedGen C0677776, MeSH D061325, MONDO:0003582. Disease mechanism: loss of function.
Hereditary cancer-predisposing syndrome. Also called: Neoplastic Syndromes, Hereditary; Tumor predisposition; Hereditary neoplastic syndrome; Hereditary Cancer Syndrome. Identifiers: Orphanet 140162, MedGen C0027672, MeSH D009386, MONDO:0015356.

Submissions (5):

Catlab - Consorci Sanitari de Terrassa
Classification: Likely benign for Hereditary cancer-predisposing syndrome. Last evaluated: 2026-01-28. Review status: criteria provided, single submitter. Criteria: ClinGen BRCA1BRCA2 ACMG Specifications BRCA2 V1.2.0. Collection method: clinical testing. Allele origin: germline.
Comment: Based on the currently available information, this variant is classified as Likely Benign according to ClinGen-BRCA2 v1.2.0 guidelines. ACMG criteria: BP1_strong, PM2_supp (point system classification).

Labcorp Genetics (formerly Invitae), Labcorp
Classification: Uncertain significance for Hereditary breast ovarian cancer syndrome. Last evaluated: 2025-11-25. Review status: criteria provided, single submitter. Criteria: Invitae Variant Classification Sherloc (09022015). Collection method: clinical testing. Allele origin: germline.
Comment: This sequence change replaces valine, which is neutral and non-polar, with isoleucine, which is neutral and non-polar, at codon 1969 of the BRCA2 protein (p.Val1969Ile). This variant is not present in population databases (gnomAD no frequency). This missense change has been observed in individual(s) with breast cancer (PMID: 21918853). This variant is also known as 6133G>A. ClinVar contains an entry for this variant (Variation ID: 619813). Invitae Evidence Modeling of protein sequence and biophysical properties (such as structural, functional, and spatial information, amino acid conservation, physicochemical variation, residue mobility, and thermodynamic stability) indicates that this missense variant is not expected to disrupt BRCA2 protein function with a negative predictive value of 95%. In summary, the available evidence is currently insufficient to determine the role of this variant in disease. Therefore, it has been classified as a Variant of Uncertain Significance.

Ambry Genetics
Classification: Uncertain significance for Hereditary cancer-predisposing syndrome. Last evaluated: 2025-09-28. Review status: criteria provided, single submitter. Criteria: Ambry Variant Classification Scheme 2023. Collection method: clinical testing. Allele origin: germline.
Comment: The p.V1969I variant (also known as c.5905G>A), located in coding exon 10 of the BRCA2 gene, results from a G to A substitution at nucleotide position 5905. The valine at codon 1969 is replaced by isoleucine, an amino acid with highly similar properties. This alteration was identified in an individual diagnosed with breast cancer (de Juan Jim&eacute;nez I et al. Fam Cancer, 2012 Mar;11:49-56). Of note, this alteration is also known as c.6133G>A in published literature. This amino acid position is not well conserved in available vertebrate species. In addition, this alteration is predicted to be tolerated by in silico analysis. Since supporting evidence is limited at this time, the clinical significance of this alteration remains unclear.

University of Washington Department of Laboratory Medicine, University of Washington
Classification: Likely benign for Hereditary cancer-predisposing syndrome. Last evaluated: 2023-03-23. Review status: criteria provided, single submitter. Criteria: Dines et al. (Genet Med. 2020). Collection method: curation. Allele origin: germline.
Comment: Missense variant in a coldspot region where missense variants are very unlikely to be pathogenic (PMID:31911673).

BRCA2 exon 11 coldspot. Reclassification based on statistical prior probability.

Quest Diagnostics Nichols Institute San Juan Capistrano
Classification: Uncertain significance. Last evaluated: 2017-11-14. Review status: criteria provided, single submitter. Criteria: Quest Diagnostics criteria. Collection method: clinical testing. Allele origin: germline.

Literature cited by the submitters: PubMed 21918853 (cited by Labcorp Genetics (formerly Invitae), Labcorp and Ambry Genetics).

NM_000059.4(BRCA2):c.5905G>A (p.Val1969Ile)

Gene: BRCA2 (BRCA2 DNA repair associated; plus strand). Cytogenetic location: 13q13.1.
Variant type: single nucleotide variant.
Coding change: c.5905G>A on transcript NM_000059.4 (MANE Select); coding-DNA position 5905, G replaced by A.
Protein change: p.Val1969Ile; replaces valine 1969 with isoleucine.
Molecular consequence: missense variant.
Genome position (GRCh38, 1-based): chr13:32,340,260, G>A. VCF-style: chr13-32340260-G-A. GRCh37 (hg19) VCF-style: chr13-32914397-G-A.
Other names: short protein forms V1969I.
Identifiers: ClinVar variation 619813 (VCV000619813.11), dbSNP rs1566233487, ClinGen allele CA387787504.
Genomic context (GRCh38, chr13:32,340,260, plus strand): 5'-GATGTTAGTTTGGAAACTTCAGATATATGTAAATGTAGTATAGGGAAGCTTCATAAGTCA[G>A]TCTCATCTGCAAATACTTGTGGGATTTTTAGCACAGCAAGTGGAAAATCTGTCCAGGTAT-3'
Protein context (NP_000050.3, residues 1959-1979): KCSIGKLHKS[Val1969Ile]SSANTCGIFS